The following is an entry in ClinVar:

ClinVar aggregate classification (germline): Uncertain significance (1 of 4 stars; one submission).

Submission:

Labcorp Genetics (formerly Invitae), Labcorp
Classification: Uncertain significance. Last evaluated: 2024-06-26. Review status: criteria provided, single submitter. Criteria: Invitae Variant Classification Sherloc (09022015). Collection method: clinical testing. Allele origin: germline.
Comment: This sequence change affects an acceptor splice site in intron 29 of the AP3D1 gene. It is expected to disrupt RNA splicing. Variants that disrupt the donor or acceptor splice site typically lead to a loss of protein function (PMID: 16199547), however the current clinical and genetic evidence is not sufficient to establish whether loss-of-function variants in AP3D1 cause disease. This variant is not present in population databases (gnomAD no frequency). This variant has not been reported in the literature in individuals affected with AP3D1-related conditions. Algorithms developed to predict the effect of sequence changes on RNA splicing suggest that this variant may disrupt the consensus splice site. In summary, the available evidence is currently insufficient to determine the role of this variant in disease. Therefore, it has been classified as a Variant of Uncertain Significance.

Literature cited by the submitters: PubMed 16199547.

NM_001261826.3(AP3D1):c.3351-2A>G

Gene: AP3D1 (adaptor related protein complex 3 subunit delta 1; minus strand). Cytogenetic location: 19p13.3.
Variant type: single nucleotide variant.
Coding change: c.3351-2A>G on transcript NM_001261826.3 (MANE Select); the canonical splice acceptor site of the intron before coding-DNA position 3351, A replaced by G.
Molecular consequence: splice acceptor variant.
Genome position (GRCh38, 1-based): chr19:2,109,209, T>C on the plus strand (A>G on the coding strand, the complement: AP3D1 is on the minus strand). VCF-style: chr19-2109209-T-C. GRCh37 (hg19) VCF-style: chr19-2109208-T-C.
Other names: c.3165-2A>G (NM_003938.8); c.3315-2A>G (NM_001374799.1).
Identifiers: ClinVar variation 3657904 (VCV003657904.2).
Genomic context (GRCh38, chr19:2,109,209, plus strand): 5'-CGACTTTGATTGAGCTCATGCTCAAGTCCCCAGACTCCAGCAACTTAGCAAAGGCGTCAC[T>C]GTGGGAGGGACAGGGAGGCTGACTGCGGTGGGGCCGGGCTCCTCAGGCTTCCTGGCACAG-3'